The following is an entry in ClinVar:

ClinVar aggregate classification (germline): Pathogenic (1 of 4 stars; one submission).

Submission:

Dasa
Classification: Pathogenic. Last evaluated: 2025-11-27. Review status: criteria provided, single submitter. Criteria: DASA Assertion Criteria. Collection method: clinical testing. Allele origin: germline.
Comment: NM_001199397.3(NEK1):c.3576G>A (p.Trp1192*) introduces a premature termination codon predicted to result in loss of normal protein function. Loss-of-function is an established mechanism of disease for this gene. The variant is present at low frequency in population datasets. Based on the available data, this variant is classified as pathogenic.

NM_001199397.3(NEK1):c.3576G>A (p.Trp1192Ter)

Gene: NEK1 (NIMA related kinase 1; minus strand). Cytogenetic location: 4q33.
Variant type: single nucleotide variant.
Coding change: c.3576G>A on transcript NM_001199397.3 (MANE Select); coding-DNA position 3576, G replaced by A.
Protein change: p.Trp1192Ter; replaces tryptophan 1192 with a stop codon.
Molecular consequence: nonsense. On other transcripts: non-coding transcript variant (1).
Genome position (GRCh38, 1-based): chr4:169,401,659, C>T on the plus strand (G>A on the coding strand, the complement: NEK1 is on the minus strand). VCF-style: chr4-169401659-C-T. GRCh37 (hg19) VCF-style: chr4-170322810-C-T.
Other names: c.2739G>A, p.Trp913Ter (NM_001440625.1); c.3492G>A, p.Trp1164Ter (NM_012224.4, NM_001374419.1); c.3444G>A, p.Trp1148Ter (NM_001199398.3); c.3285G>A, p.Trp1095Ter (NM_001199399.3); c.3360G>A, p.Trp1120Ter (NM_001199400.3); c.3576G>A, p.Trp1192Ter (NM_001374418.1); c.3441G>A, p.Trp1147Ter (NM_001374420.1); c.3093G>A, p.Trp1031Ter (NM_001374421.1); and 5 more; short protein forms W1031*, W1061*, W1089*, W1095*, W1105*, W1120*, W1133*, W1147*.
Identifiers: ClinVar variation 4851865 (VCV004851865.1).